The following is an entry in ClinVar:

ClinVar aggregate classification (germline): Uncertain significance (1 of 4 stars; one submission).

Submission:

GeneDx
Classification: Uncertain significance. Last evaluated: 2024-02-15. Review status: criteria provided, single submitter. Criteria: GeneDx Variant Classification Process June 2021. Collection method: clinical testing. Allele origin: germline. Affected: yes.
Comment: Not observed at significant frequency in large population cohorts (gnomAD); In-frame deletion of 11 amino acids in a non-repeat region; In silico analysis supports a deleterious effect on protein structure/function; Has not been previously published as pathogenic or benign to our knowledge

NM_004465.2(FGF10):c.193_225del (p.Arg65_Gly75del)

Gene: FGF10 (fibroblast growth factor 10; minus strand). Cytogenetic location: 5p12.
Variant type: Deletion.
Coding change: c.193_225del on transcript NM_004465.2 (MANE Select); coding-DNA positions 193 to 225, 33 bases deleted.
Protein change: p.Arg65_Gly75del.
Molecular consequence: inframe deletion. On other transcripts: inframe indel (1).
Genome position (GRCh38, 1-based): chr5:44,388,458-44,388,490, 33 bases deleted; deleting any 33 consecutive bases within chr5:44,388,458-44,388,493 gives the same sequence; the c. name uses the placement nearest the transcript's 3' end. GRCh37 (hg19): chr5:44,388,563-44,388,595.
Other names: c.190_222del33, p.Arg65_Gly75del (NM_004465.1).
Identifiers: ClinVar variation 3369362 (VCV003369362.1).